The following is an entry in ClinVar:

NM_004369.4(COL6A3):c.7975C>T (p.Gln2659Ter)

Gene: COL6A3 (collagen type VI alpha 3 chain; minus strand). Cytogenetic location: 2q37.3.
Variant type: single nucleotide variant.
Coding change: c.7975C>T on transcript NM_004369.4 (MANE Select); coding-DNA position 7975, C replaced by T.
Protein change: p.Gln2659Ter; replaces glutamine 2659 with a stop codon.
Molecular consequence: nonsense.
Genome position (GRCh38, 1-based): chr2:237,340,941, G>A on the plus strand (C>T on the coding strand, the complement: COL6A3 is on the minus strand). VCF-style: chr2-237340941-G-A. GRCh37 (hg19) VCF-style: chr2-238249584-G-A.
Other names: c.6154C>T, p.Gln2052Ter (NM_057166.5); c.7357C>T, p.Gln2453Ter (NM_057167.4); short protein forms Q2052*, Q2453*, Q2659*.
Identifiers: ClinVar variation 1029827 (VCV001029827.1), dbSNP rs2076974450, ClinGen allele CA351197030.

ClinVar aggregate classification (germline): Likely pathogenic (1 of 4 stars; one submission).

Conditions:
Bethlem myopathy 1A. Also called: Bethlem Muscular Dystrophy; MYOPATHY, BENIGN CONGENITAL, WITH CONTRACTURES; Bethlem myopathy 1. Identifiers: Orphanet 610, MedGen CN029274, MONDO:0024530, OMIM 158810.

Submission:

Baylor Genetics
Classification: Likely pathogenic for Bethlem myopathy 1A. Last evaluated: 2020-03-12. Review status: criteria provided, single submitter. Criteria: ACMG Guidelines, 2015. Collection method: clinical testing. Allele origin: unknown. Affected: yes.
Comment: This variant was determined to be likely pathogenic according to ACMG Guidelines, 2015 [PMID:25741868].